The following is an entry in ClinVar:

ClinVar aggregate classification (germline): Likely benign (0 of 4 stars; one submission).

Conditions:
TBC1D32-related disorder. Also called: TBC1D32-related condition.

Allele frequency attached by ClinVar (database versions not stated): gnomAD exomes 0.00001; ExAC 0.00002; gnomAD 0.00002; TOPMed 0.00002; ESP Exome Variant Server 0.00009.
gnomAD v4.1: 23 of 1,588,098 alleles (0.0014%); highest among the groups gnomAD compares: Non-Finnish European, 0.002%; no homozygotes.

Submission:

PreventionGenetics, part of Exact Sciences
Classification: Likely benign for TBC1D32-related condition. Last evaluated: 2021-02-23. Review status: no assertion criteria provided. Collection method: clinical testing. Allele origin: germline.
Comment: This variant is classified as likely benign based on ACMG/AMP sequence variant interpretation guidelines (Richards et al. 2015 PMID: 25741868, with internal and published modifications).

NM_152730.6(TBC1D32):c.1733+8C>G

Gene: TBC1D32 (TBC1 domain family member 32; minus strand). Cytogenetic location: 6q22.31.
Variant type: single nucleotide variant.
Coding change: c.1733+8C>G on transcript NM_152730.6 (MANE Select); 8 bases into the intron after coding-DNA position 1733, C replaced by G.
Molecular consequence: intron variant.
Genome position (GRCh38, 1-based): chr6:121,279,113, G>C on the plus strand (C>G on the coding strand, the complement: TBC1D32 is on the minus strand). VCF-style: chr6-121279113-G-C. GRCh37 (hg19) VCF-style: chr6-121600259-G-C.
Other names: c.1733+8C>G (NM_001367759.1, NM_001367760.1).
Identifiers: ClinVar variation 3054658 (VCV003054658.2), dbSNP rs375839994, ClinGen allele CA3981073.